The following is an entry in ClinVar:

NM_000051.4(ATM):c.8329G>A (p.Gly2777Ser)

Genes: ATM (ATM serine/threonine kinase; plus strand), C11orf65 (chromosome 11 open reading frame 65; minus strand). Cytogenetic location: 11q22.3.
Variant type: single nucleotide variant.
Coding change: c.8329G>A on transcript NM_000051.4 (MANE Select); coding-DNA position 8329, G replaced by A.
Protein change: p.Gly2777Ser; replaces glycine 2777 with serine.
Molecular consequence: missense variant. On other transcripts: intron variant (2).
Genome position (GRCh38, 1-based): chr11:108,343,282, G>A. VCF-style: chr11-108343282-G-A. GRCh37 (hg19) VCF-style: chr11-108214009-G-A.
Other names: c.8329G>A, p.Gly2777Ser (NM_001351834.2); c.641-34211C>T (NM_001330368.2); c.695-7990C>T (NM_001351110.2); short protein forms G2777S.
Identifiers: ClinVar variation 857733 (VCV000857733.11), dbSNP rs2087823795, ClinGen allele CA382516416.

ClinVar aggregate classification (germline): Uncertain significance. Review status: criteria provided, multiple submitters, no conflicts (2 of 4 stars). 3 submissions from 3 submitters: Uncertain significance (3). Last evaluated 2025-07-30.

Conditions:
Familial cancer of breast. Also called: Hereditary breast cancer; BREAST CANCER, FAMILIAL; hereditary breast carcinoma. Identifiers: Orphanet 227535, MedGen C0346153, MONDO:0016419, OMIM 114480. Disease mechanism: loss of function.
Hereditary cancer-predisposing syndrome. Also called: Tumor predisposition; Neoplastic Syndromes, Hereditary; Hereditary Cancer Syndrome; Hereditary neoplastic syndrome. Identifiers: Orphanet 140162, MedGen C0027672, MeSH D009386, MONDO:0015356.
Ataxia-telangiectasia syndrome (AT). Also called: ATAXIA-TELANGIECTASIA, COMPLEMENTATION GROUP A; ATAXIA-TELANGIECTASIA, FRESNO VARIANT; Ataxia-telangiectasia; Ataxia-telangiectasia, complementation group D; AT, COMPLEMENTATION GROUP C; Ataxia-telangiectasia, complementation group E. Identifiers: Orphanet 100, MedGen C0004135, MONDO:0008840, OMIM 208900.

Submissions (3):

Labcorp Genetics (formerly Invitae), Labcorp
Classification: Uncertain significance for Ataxia-telangiectasia syndrome. Last evaluated: 2025-07-30. Review status: criteria provided, single submitter. Criteria: Invitae Variant Classification Sherloc (09022015). Collection method: clinical testing. Allele origin: germline.
Comment: This sequence change replaces glycine, which is neutral and non-polar, with serine, which is neutral and polar, at codon 2777 of the ATM protein (p.Gly2777Ser). This variant is not present in population databases (gnomAD no frequency). This variant has not been reported in the literature in individuals affected with ATM-related conditions. ClinVar contains an entry for this variant (Variation ID: 857733). Invitae Evidence Modeling of protein sequence and biophysical properties (such as structural, functional, and spatial information, amino acid conservation, physicochemical variation, residue mobility, and thermodynamic stability) has been performed for this missense variant. However, the output from this modeling did not meet the statistical confidence thresholds required to predict the impact of this variant on ATM protein function. In summary, the available evidence is currently insufficient to determine the role of this variant in disease. Therefore, it has been classified as a Variant of Uncertain Significance.

Baylor Genetics
Classification: Uncertain significance for Familial cancer of breast. Last evaluated: 2023-07-29. Review status: criteria provided, single submitter. Criteria: ACMG Guidelines, 2015. Collection method: clinical testing. Allele origin: unknown.

Sema4
Classification: Uncertain significance for Hereditary cancer-predisposing syndrome. Last evaluated: 2022-02-08. Review status: criteria provided, single submitter. Criteria: Sema4 Curation Guidelines. Collection method: curation. Allele origin: germline.
Comment: The ATM c.8329G>A (p.G2777S) variant has not been reported in the literature to our knowledge. It was not observed in the large and broad cohorts of the Genome Aggregation Database (PMID: 32461654). This variant has been reported in ClinVar (Variation ID 857733). Functional studies have not been performed, and in silico predictions of the variant's effect on protein function are inconclusive. The evidence is insufficient to meet ACMG/AMP criteria for classifying the variant as benign or pathogenic. Thus, the clinical significance of this variant is currently uncertain.